The following is an entry in ClinVar:

NM_000088.4(COL1A1):c.2235+11C>A

Gene: COL1A1 (collagen type I alpha 1 chain; minus strand). Cytogenetic location: 17q21.33.
Variant type: single nucleotide variant.
Coding change: c.2235+11C>A on transcript NM_000088.4 (MANE Select); 11 bases into the intron after coding-DNA position 2235, C replaced by A.
Molecular consequence: intron variant.
Genome position (GRCh38, 1-based): chr17:50,191,372, G>T on the plus strand (C>A on the coding strand, the complement: COL1A1 is on the minus strand). VCF-style: chr17-50191372-G-T. GRCh37 (hg19) VCF-style: chr17-48268733-G-T.
Identifiers: ClinVar variation 510464 (VCV000510464.8), dbSNP rs572426023, ClinGen allele CA8644905.
Genomic context (GRCh38, chr17:50,191,372, plus strand): 5'-TGCTGAGAGATTCAAAGCAGGCAGAGATGGGAGCCATGTAGGGCTCAGGGGAGGGGGAAG[G>T]TTGAACTTACTCTGTCACCCTTAGGCCCTGGAAGACCAGCTGCACCACGTTCACCAGGCA-3'

ClinVar aggregate classification (germline): Benign/Likely benign. Review status: criteria provided, multiple submitters, no conflicts (2 of 4 stars). 4 submissions from 4 submitters: Benign (1); Likely benign (3). Last evaluated 2025-06-03.

Conditions:
Osteogenesis imperfecta type I (OI1). Also called: Lobstein's Disease; Lobstein disease; Osteogenesis imperfecta type 1; OI, TYPE I; OSTEOGENESIS IMPERFECTA TARDA; OSTEOGENESIS IMPERFECTA WITH BLUE SCLERAE. Identifiers: Orphanet 216796, Orphanet 666, MedGen C0023931, MONDO:0008146, OMIM 166200. Disease mechanism: loss of function.

Allele frequency attached by ClinVar (database versions not stated): TOPMed 0.00003.
gnomAD v4.1: 127 of 1,612,182 alleles (0.0079%); highest among the groups gnomAD compares: Non-Finnish European, 0.01%; no homozygotes.

Submissions (4):

Women's Health and Genetics/Laboratory Corporation of America, LabCorp
Classification: Benign. Last evaluated: 2025-06-03. Review status: criteria provided, single submitter. Criteria: LabCorp Variant Classification Summary - May 2015. Collection method: clinical testing. Allele origin: germline.
Comment: Variant summary: COL1A1 c.2235+11C>A alters a nucleotide located at a position not widely known to affect splicing. Consensus agreement among computation tools predict no significant impact on normal splicing. However, these predictions have yet to be confirmed by functional studies. The variant allele was found at a frequency of 7.9e-05 in 1612182 control chromosomes, predominantly at a frequency of 0.0001 within the Non-Finnish European subpopulation in the gnomAD database. The observed variant frequency within Non-Finnish European control individuals in the gnomAD database is approximately 3-fold of the estimated maximal expected allele frequency for a pathogenic variant in COL1A1 causing Osteogenesis imperfecta type I phenotype (3e-05). To our knowledge, no occurrence of c.2235+11C>A in individuals affected with Osteogenesis imperfecta type I or other COL1A1-related disorders and no experimental evidence demonstrating its impact on protein function have been reported. ClinVar contains an entry for this variant (Variation ID: 510464). Based on the evidence outlined above, the variant was classified as benign.

Labcorp Genetics (formerly Invitae), Labcorp
Classification: Likely benign for Osteogenesis imperfecta type I. Last evaluated: 2025-03-07. Review status: criteria provided, single submitter. Criteria: Invitae Variant Classification Sherloc (09022015). Collection method: clinical testing. Allele origin: germline.

Blueprint Genetics
Classification: Likely benign. Last evaluated: 2023-10-24. Review status: criteria provided, single submitter. Criteria: ACMG Guidelines, 2015. Collection method: clinical testing. Allele origin: germline.

GeneDx
Classification: Likely benign. Last evaluated: 2017-07-03. Review status: criteria provided, single submitter. Criteria: GeneDx Variant Classification (06012015). Collection method: clinical testing. Allele origin: germline. Affected: yes.
Comment: This variant is considered likely benign or benign based on one or more of the following criteria: it is a conservative change, it occurs at a poorly conserved position in the protein, it is predicted to be benign by multiple in silico algorithms, and/or has population frequency not consistent with disease.